The following is an entry in ClinVar:

NM_006303.4(AIMP2):c.477G>C (p.Lys159Asn)

Gene: AIMP2 (aminoacyl tRNA synthetase complex interacting multifunctional protein 2; plus strand). Cytogenetic location: 7p22.1.
Variant type: single nucleotide variant.
Coding change: c.477G>C on transcript NM_006303.4 (MANE Select); coding-DNA position 477, G replaced by C.
Protein change: p.Lys159Asn; replaces lysine 159 with asparagine.
Molecular consequence: missense variant.
Genome position (GRCh38, 1-based): chr7:6,017,948, G>C. VCF-style: chr7-6017948-G-C. GRCh37 (hg19) VCF-style: chr7-6057579-G-C.
Other names: c.357G>C, p.Lys119Asn (NM_001326606.2); c.270G>C, p.Lys90Asn (NM_001326607.2); c.243G>C, p.Lys81Asn (NM_001326609.2, NM_001326610.2, NM_001326611.3); c.390G>C, p.Lys130Asn (NM_001362785.2); c.345G>C, p.Lys115Asn (NM_001362787.2); short protein forms K115N, K159N, K90N, K119N, K81N, K130N.
Identifiers: ClinVar variation 1958668 (VCV001958668.5), dbSNP rs931014900, ClinGen allele CA366746687.

ClinVar aggregate classification (germline): Uncertain significance (1 of 4 stars; one submission).

Allele frequency attached by ClinVar (database versions not stated): gnomAD exomes below 0.00001; gnomAD 0.00001.
gnomAD v4.1: 8 of 1,613,890 alleles (0.0005%); highest among the groups gnomAD compares: East Asian, 0.011%; no homozygotes.

Submission:

Labcorp Genetics (formerly Invitae), Labcorp
Classification: Uncertain significance. Last evaluated: 2022-01-28. Review status: criteria provided, single submitter. Criteria: Invitae Variant Classification Sherloc (09022015). Collection method: clinical testing. Allele origin: germline.
Comment: Algorithms developed to predict the effect of missense changes on protein structure and function (SIFT, PolyPhen-2, Align-GVGD) all suggest that this variant is likely to be tolerated. In summary, the available evidence is currently insufficient to determine the role of this variant in disease. Therefore, it has been classified as a Variant of Uncertain Significance. This variant has not been reported in the literature in individuals affected with AIMP2-related conditions. This sequence change replaces lysine, which is basic and polar, with asparagine, which is neutral and polar, at codon 159 of the AIMP2 protein (p.Lys159Asn). This variant is present in population databases (no rsID available, gnomAD 0.02%).